The following is an entry in ClinVar:

ClinVar aggregate classification (germline): Uncertain significance (1 of 4 stars; one submission).

Conditions:
Congenital contractural arachnodactyly (CCA). Also called: BEALS SYNDROME; Arthrogryposis, distal, type 9; Beals-Hecht syndrome. Identifiers: Orphanet 115, MedGen C0220668, MONDO:0007363, OMIM 121050.

Submission:

Labcorp Genetics (formerly Invitae), Labcorp
Classification: Uncertain significance for Congenital contractural arachnodactyly. Last evaluated: 2024-07-09. Review status: criteria provided, single submitter. Criteria: Invitae Variant Classification Sherloc (09022015). Collection method: clinical testing. Allele origin: germline.
Comment: This sequence change replaces glutamic acid, which is acidic and polar, with aspartic acid, which is acidic and polar, at codon 1141 of the FBN2 protein (p.Glu1141Asp). This variant is not present in population databases (gnomAD no frequency). This variant has not been reported in the literature in individuals affected with FBN2-related conditions. Advanced modeling of protein sequence and biophysical properties (such as structural, functional, and spatial information, amino acid conservation, physicochemical variation, residue mobility, and thermodynamic stability) performed at Invitae indicates that this missense variant is not expected to disrupt FBN2 protein function with a negative predictive value of 80%. In summary, the available evidence is currently insufficient to determine the role of this variant in disease. Therefore, it has been classified as a Variant of Uncertain Significance.

NM_001999.4(FBN2):c.3423G>T (p.Glu1141Asp)

Gene: FBN2 (fibrillin 2; minus strand). Cytogenetic location: 5q23.3.
Variant type: single nucleotide variant.
Coding change: c.3423G>T on transcript NM_001999.4 (MANE Select); coding-DNA position 3423, G replaced by T.
Protein change: p.Glu1141Asp; replaces glutamic acid 1141 with aspartic acid.
Molecular consequence: missense variant.
Genome position (GRCh38, 1-based): chr5:128,338,982, C>A on the plus strand (G>T on the coding strand, the complement: FBN2 is on the minus strand). VCF-style: chr5-128338982-C-A. GRCh37 (hg19) VCF-style: chr5-127674674-C-A.
Other names: short protein forms E1141D.
Identifiers: ClinVar variation 3647341 (VCV003647341.2).